The following is an entry in ClinVar:

NM_181336.4(LEMD2):c.1002G>C (p.Val334=)

Gene: LEMD2 (LEM domain nuclear envelope protein 2; minus strand). Cytogenetic location: 6p21.31.
Variant type: single nucleotide variant.
Coding change: c.1002G>C on transcript NM_181336.4 (MANE Select); coding-DNA position 1002, G replaced by C.
Protein change: p.Val334=; no amino-acid change (valine 334 retained).
Molecular consequence: synonymous variant.
Genome position (GRCh38, 1-based): chr6:33,780,108, C>G on the plus strand (G>C on the coding strand, the complement: LEMD2 is on the minus strand). VCF-style: chr6-33780108-C-G. GRCh37 (hg19) VCF-style: chr6-33747885-C-G.
Other names: c.1002G>C (NM_181336.3); c.96G>C, p.Val32= (NM_001143944.1, NM_001348709.2); c.603G>C, p.Val201= (NM_001348710.2).
Identifiers: ClinVar variation 4891697 (VCV004891697.2).

ClinVar aggregate classification (germline): Likely benign. Review status: criteria provided, multiple submitters, no conflicts (2 of 4 stars). 2 submissions from 2 submitters: Likely benign (2). Last evaluated 2024-12-22.

Conditions:
LEMD2-related disorder. Also called: LEMD2-related condition.

gnomAD v4.1: 383 of 1,590,250 alleles (0.024%); highest among the groups gnomAD compares: Non-Finnish European, 0.032%; no homozygotes.

Submissions (2):

PreventionGenetics, part of Exact Sciences
Classification: Likely benign for LEMD2-related condition. Last evaluated: 2024-12-22. Review status: criteria provided, single submitter. Criteria: ACMG Guidelines, 2015. Collection method: clinical testing. Allele origin: germline.
Comment: This variant is classified as likely benign based on ACMG/AMP sequence variant interpretation guidelines (Richards et al. 2015 PMID: 25741868, with internal and published modifications).

Blueprint Genetics
Classification: Likely benign. Last evaluated: 2024-11-26. Review status: criteria provided, single submitter. Criteria: ACMG Guidelines, 2015. Collection method: clinical testing. Allele origin: germline.